The following is an entry in ClinVar:

ClinVar aggregate classification (germline): Pathogenic. Review status: criteria provided, multiple submitters, no conflicts (2 of 4 stars). 2 submissions from 2 submitters: Pathogenic (2). Last evaluated 2024-05-02.

Conditions:
Familial adenomatous polyposis 4 (FAP4). Also called: MSH3-related attenuated familial adenomatous polyposis. Identifiers: Orphanet 480536, MedGen C4310719, MONDO:0044300, OMIM 617100.

Submissions (2):

Labcorp Genetics (formerly Invitae), Labcorp
Classification: Pathogenic. Last evaluated: 2024-05-02. Review status: criteria provided, single submitter. Criteria: Invitae Variant Classification Sherloc (09022015). Collection method: clinical testing. Allele origin: germline.
Comment: This sequence change creates a premature translational stop signal (p.Gln750*) in the MSH3 gene. It is expected to result in an absent or disrupted protein product. Loss-of-function variants in MSH3 are known to be pathogenic (PMID: 27476653, 37402566). This variant is not present in population databases (gnomAD no frequency). This variant has not been reported in the literature in individuals affected with MSH3-related conditions. ClinVar contains an entry for this variant (Variation ID: 2153467). For these reasons, this variant has been classified as Pathogenic.

Myriad Genetics, Inc.
Classification: Pathogenic for Familial adenomatous polyposis 4. Last evaluated: 2023-08-30. Review status: criteria provided, single submitter. Criteria: Myriad Autosomal Dominant, Autosomal Recessive and X-Linked Classification Criteria (2023). Collection method: clinical testing. Allele origin: unknown.
Comment: This variant is considered pathogenic. This variant creates a termination codon and is predicted to result in premature protein truncation.

Literature cited by the submitters: PubMed 27476653 (cited by Labcorp Genetics (formerly Invitae), Labcorp); PubMed 37402566 (cited by Labcorp Genetics (formerly Invitae), Labcorp).

NM_002439.5(MSH3):c.2248C>T (p.Gln750Ter)

Gene: MSH3 (mutS homolog 3; plus strand). Cytogenetic location: 5q14.1.
Variant type: single nucleotide variant.
Coding change: c.2248C>T on transcript NM_002439.5 (MANE Select); coding-DNA position 2248, C replaced by T.
Protein change: p.Gln750Ter; replaces glutamine 750 with a stop codon.
Molecular consequence: nonsense.
Genome position (GRCh38, 1-based): chr5:80,768,998, C>T. VCF-style: chr5-80768998-C-T. GRCh37 (hg19) VCF-style: chr5-80064817-C-T.
Other names: short protein forms Q750*.
Identifiers: ClinVar variation 2153467 (VCV002153467.5), dbSNP rs2546774337, ClinGen allele CA360279800.